The following is an entry in ClinVar:

ClinVar aggregate classification (germline): Uncertain significance (1 of 4 stars; one submission).

gnomAD v4.1: 2 of 1,614,222 alleles (0.00012%); highest among the groups gnomAD compares: Admixed American, 0.0017%; no homozygotes.

Submission:

Ambry Genetics
Classification: Uncertain significance. Last evaluated: 2025-06-13. Review status: criteria provided, single submitter. Criteria: Ambry Variant Classification Scheme 2023. Collection method: clinical testing. Allele origin: germline.
Comment: The p.K226R variant (also known as c.677A>G), located in coding exon 1 of the CDK12 gene, results from an A to G substitution at nucleotide position 677. The lysine at codon 226 is replaced by arginine, an amino acid with highly similar properties. This amino acid position is conserved. In addition, this alteration is predicted to be tolerated by in silico analysis. Based on the available evidence, the clinical significance of this variant remains unclear.

NM_016507.4(CDK12):c.677A>G (p.Lys226Arg)

Genes: CDK12 (cyclin dependent kinase 12; plus strand), LOC126862553 (CDK7 strongly-dependent group 2 enhancer GRCh37_chr17:37618166-37619365; plus strand). Cytogenetic location: 17q12.
Variant type: single nucleotide variant.
Coding change: c.677A>G on transcript NM_016507.4 (MANE Select); coding-DNA position 677, A replaced by G.
Protein change: p.Lys226Arg; replaces lysine 226 with arginine.
Molecular consequence: missense variant.
Genome position (GRCh38, 1-based): chr17:39,462,748, A>G. VCF-style: chr17-39462748-A-G. GRCh37 (hg19) VCF-style: chr17-37619001-A-G.
Other names: c.677A>G, p.Lys226Arg (NM_015083.4); short protein forms K226R.
Identifiers: ClinVar variation 3999557 (VCV003999557.1).
Genomic context (GRCh38, chr17:39,462,748, plus strand): 5'-CACCCAAAAGTTACAAAACAGTGGACAGCCCAAAACGGAGATCCAGGAGCCCCCACAGGA[A>G]GTGGTCTGACAGCTCCAAACAAGATGATAGCCCCTCGGGAGCTTCTTATGGCCAAGATTA-3'
Protein context (NP_057591.2, residues 216-236): PKRRSRSPHR[Lys226Arg]WSDSSKQDDS